The following is an entry in ClinVar:

NM_000937.5(POLR2A):c.1357_1360dup (p.Asp454fs)

Gene: POLR2A (RNA polymerase II subunit A; plus strand). Cytogenetic location: 17p13.1.
Variant type: Duplication.
Coding change: c.1357_1360dup on transcript NM_000937.5 (MANE Select); coding-DNA positions 1357 to 1360, 4 bases duplicated (GGGG; older notation c.1357_1360dupGGGG).
Protein change: p.Asp454fs; shifts the reading frame from aspartic acid 454.
Molecular consequence: frameshift variant.
Genome position (GRCh38, 1-based): chr17:7,499,060-7,499,063, GGGG duplicated. VCF-style (leftmost placement, unchanged base first): chr17-7499059-T-TGGGG. GRCh37 (hg19) VCF-style: chr17-7402378-T-TGGGG.
Other names: short protein forms D454fs.
Identifiers: ClinVar variation 1320165 (VCV001320165.1), dbSNP rs2150881295, ClinGen allele CA2573054567.

ClinVar aggregate classification (germline): Likely pathogenic (1 of 4 stars; one submission).

Conditions:
Neurodevelopmental disorder with hypotonia and variable intellectual and behavioral abnormalities. Identifiers: MedGen C5231423, MONDO:0032829, OMIM 618603.

Submission:

3billion
Classification: Likely pathogenic for Neurodevelopmental disorder with hypotonia and variable intellectual and behavioral abnormalities. Last evaluated: 2021-10-02. Review status: criteria provided, single submitter. Criteria: ACMG Guidelines, 2015. Collection method: clinical testing. Allele origin: paternal. Affected: yes. Observed: 1 heterozygote.
Comment: Frameshift: predicted to result in a loss or disruption of normal protein function through nonsense-mediated decay (NMD) or protein truncation. Multiple pathogenic variants are reported downstream of the variant (PVS1_VS). It is not observed in the gnomAD v2.1.1 dataset (PM2). Therefore, this variant is classified as likely pathogenic according to the recommendation of ACMG/AMP guideline.